The following is an entry in ClinVar:

NM_001365276.2(TNXB):c.144G>A (p.Val48=)

Gene: TNXB (tenascin XB; minus strand). Cytogenetic location: 6p21.33.
Variant type: single nucleotide variant.
Coding change: c.144G>A on transcript NM_001365276.2 (MANE Select); coding-DNA position 144, G replaced by A.
Protein change: p.Val48=; no amino-acid change (valine 48 retained).
Molecular consequence: synonymous variant.
Genome position (GRCh38, 1-based): chr6:32,098,055, C>T on the plus strand (G>A on the coding strand, the complement: TNXB is on the minus strand). VCF-style: chr6-32098055-C-T. GRCh37 (hg19) VCF-style: chr6-32065832-C-T.
Other names: c.144G>A, p.Val48= (NM_001428335.1, NM_019105.8).
Identifiers: ClinVar variation 4990607 (VCV004990607.1).
Genomic context (GRCh38, chr6:32,098,055, plus strand): 5'-CTCCCCTCCTTCCACTGTGTGCTCGTAAAGCTGAGAAGAGGGGCTTCCCACTCCAGCCCC[C>T]ACTGTGTGGCCCCCTGGCTGGGGAGGGGGCCGGGGGGCTGGCAGTGTCACATTGGACCGT-3'
Protein context (NP_001352205.1, residues 38-58): RPPPQPGGHT[Val48=]GAGVGSPSSQ

ClinVar aggregate classification (germline): Likely benign (1 of 4 stars; one submission).

Conditions:
TNXB-related disorder. Also called: TNXB-related condition.

gnomAD v4.1: 1 of 1,606,904 alleles (0.000062%); highest among the groups gnomAD compares: Non-Finnish European, 0.000085%; no homozygotes.

Submission:

PreventionGenetics, part of Exact Sciences
Classification: Likely benign for TNXB-related condition. Last evaluated: 2026-04-17. Review status: criteria provided, single submitter. Criteria: ACMG Guidelines, 2015. Collection method: clinical testing. Allele origin: germline.
Comment: This variant is classified as likely benign based on ACMG/AMP sequence variant interpretation guidelines (Richards et al. 2015 PMID: 25741868, with internal and published modifications).